The following is an entry in ClinVar:

ClinVar aggregate classification (germline): Likely pathogenic (1 of 4 stars; one submission).

Conditions:
Nemaline myopathy 2 (NEM2). Also called: Nemaline myopathy 2, autosomal recessive. Identifiers: MedGen C1850569, MONDO:0009725, OMIM 256030.

Submission:

Kariminejad - Najmabadi Pathology & Genetics Center
Classification: Likely pathogenic for Nemaline myopathy 2. Last evaluated: 2023-05-21. Review status: criteria provided, single submitter. Criteria: ACMG Guidelines, 2015. Collection method: clinical testing. Allele origin: germline. Inheritance: Autosomal recessive inheritance. Affected: yes.
Comment: PVS1- PM2

NM_001164508.2(NEB):c.2001del (p.Arg668fs)

Gene: NEB (nebulin; minus strand). Cytogenetic location: 2q23.3.
Variant type: Deletion.
Coding change: c.2001del on transcript NM_001164508.2 (MANE Select); coding-DNA position 2001, one base deleted (T; older notation c.2001delT).
Protein change: p.Arg668fs; shifts the reading frame from arginine 668.
Molecular consequence: frameshift variant.
Genome position (GRCh38, 1-based): chr2:151,692,164, A deleted on the plus strand (T on the coding strand, the reverse complement: NEB is on the minus strand). VCF-style (leftmost placement, unchanged base first): chr2-151692163-TA-T. GRCh37 (hg19) VCF-style: chr2-152548677-TA-T.
Other names: c.2001del, p.Arg668fs (NM_001164507.2, NM_001271208.2, NM_004543.5); c.2001delT (NM_001271208.2); short protein forms R668fs.
Identifiers: ClinVar variation 3896934 (VCV003896934.1).